The following is an entry in ClinVar:

NM_006922.4(SCN3A):c.4207G>A (p.Val1403Ile)

Gene: SCN3A (sodium voltage-gated channel alpha subunit 3; minus strand). Cytogenetic location: 2q24.3.
Variant type: single nucleotide variant.
Coding change: c.4207G>A on transcript NM_006922.4 (MANE Select); coding-DNA position 4207, G replaced by A.
Protein change: p.Val1403Ile; replaces valine 1403 with isoleucine.
Molecular consequence: missense variant.
Genome position (GRCh38, 1-based): chr2:165,097,284, C>T on the plus strand (G>A on the coding strand, the complement: SCN3A is on the minus strand). VCF-style: chr2-165097284-C-T. GRCh37 (hg19) VCF-style: chr2-165953794-C-T.
Other names: c.4060G>A, p.Val1354Ile (NM_001081676.2, NM_001081677.2); c.4207G>A (NM_006922.3); short protein forms V1354I, V1403I.
Identifiers: ClinVar variation 1046407 (VCV001046407.7), dbSNP rs937923772, ClinGen allele CA59712651.

ClinVar aggregate classification (germline): Uncertain significance. Review status: criteria provided, multiple submitters, no conflicts (2 of 4 stars). 2 submissions from 2 submitters: Uncertain significance (2). Last evaluated 2026-01-09.

Conditions:
Inborn genetic diseases. Identifiers: MedGen C0950123, MeSH D030342.

Allele frequency attached by ClinVar (database versions not stated): TOPMed 0.00002; gnomAD 0.00003.
gnomAD v4.1: 4 of 1,613,954 alleles (0.00025%); highest among the groups gnomAD compares: African/African-American, 0.0053%; no homozygotes.

Submissions (2):

Ambry Genetics
Classification: Uncertain significance for Inborn genetic diseases. Last evaluated: 2026-01-09. Review status: criteria provided, single submitter. Criteria: Ambry Variant Classification Scheme 2023. Collection method: clinical testing. Allele origin: germline.

Labcorp Genetics (formerly Invitae), Labcorp
Classification: Uncertain significance. Last evaluated: 2023-10-20. Review status: criteria provided, single submitter. Criteria: Invitae Variant Classification Sherloc (09022015). Collection method: clinical testing. Allele origin: germline.
Comment: This sequence change replaces valine, which is neutral and non-polar, with isoleucine, which is neutral and non-polar, at codon 1403 of the SCN3A protein (p.Val1403Ile). This variant is not present in population databases (gnomAD no frequency). This variant has not been reported in the literature in individuals affected with SCN3A-related conditions. ClinVar contains an entry for this variant (Variation ID: 1046407). Advanced modeling of protein sequence and biophysical properties (such as structural, functional, and spatial information, amino acid conservation, physicochemical variation, residue mobility, and thermodynamic stability) performed at Invitae indicates that this missense variant is expected to disrupt SCN3A protein function. In summary, the available evidence is currently insufficient to determine the role of this variant in disease. Therefore, it has been classified as a Variant of Uncertain Significance.